The following is an entry in ClinVar:

ClinVar aggregate classification (germline): Benign. Review status: criteria provided, single submitter (1 of 4 stars). 2 submissions from 1 submitter: Benign (2). Last evaluated 2018-01-13.

Conditions:
Frontotemporal dementia and/or amyotrophic lateral sclerosis 6 (FTDALS6). Also called: VCP-Related Amyotrophic Lateral Sclerosis; VCP-Related Amyotrophic Lateral Sclerosis/Frontotemporal Dementia. Identifiers: Orphanet 275872, Orphanet 803, MedGen C5436279, MONDO:0013501, OMIM 613954.
Inclusion body myopathy with Paget disease of bone and frontotemporal dementia type 1. Also called: MULTISYSTEM PROTEINOPATHY 1; Inclusion body myopathy with early-onset Paget disease with or without frontotemporal dementia 1; Inclusion body myopathy with early-onset Paget disease and frontotemporal dementia 1. Identifiers: MedGen C4551951, MONDO:0008178, OMIM 167320.

Allele frequency attached by ClinVar (database versions not stated): 1000 Genomes Project 30x 0.00390; 1000 Genomes Project 0.00399; TOPMed 0.00808; gnomAD exomes 0.01170; gnomAD 0.02117.
gnomAD v4.1: 2,076 of 161,934 alleles (1.3%); highest among the groups gnomAD compares: Non-Finnish European, 1.6%; 42 homozygotes.

Submissions (2):

Illumina Laboratory Services, Illumina
Classification: Benign for Inclusion body myopathy with Paget disease of bone and frontotemporal dementia type 1. Last evaluated: 2018-01-13. Review status: criteria provided, single submitter. Criteria: ICSL Variant Classification Criteria 13 December 2019. Collection method: clinical testing. Allele origin: germline.
Comment: This variant was observed in the ICSL laboratory as part of a predisposition screen in an ostensibly healthy population. It had not been previously curated by ICSL or reported in the Human Gene Mutation Database (HGMD: prior to June 1st, 2018), and was therefore a candidate for classification through an automated scoring system. Utilizing variant allele frequency, disease prevalence and penetrance estimates, and inheritance mode, an automated score was calculated to assess if this variant is too frequent to cause the disease. Based on the score and internal cut-off values, a variant classified as benign is not then subjected to further curation. The score for this variant resulted in a classification of benign for this disease.

Illumina Laboratory Services, Illumina
Classification: Benign for Frontotemporal dementia and/or amyotrophic lateral sclerosis 6. Last evaluated: 2018-01-13. Review status: criteria provided, single submitter. Criteria: ICSL Variant Classification Criteria 13 December 2019. Collection method: clinical testing. Allele origin: germline.
Comment: the same text as in the submission from Illumina Laboratory Services, Illumina above.

NM_007126.5(VCP):c.*596C>T

Gene: VCP (valosin containing protein; minus strand). Cytogenetic location: 9p13.3.
Variant type: single nucleotide variant.
Coding change: c.*596C>T on transcript NM_007126.5 (MANE Select); 596 bases downstream of the stop codon, C replaced by T.
Molecular consequence: 3 prime UTR variant.
Genome position (GRCh38, 1-based): chr9:35,056,521, G>A on the plus strand (C>T on the coding strand, the complement: VCP is on the minus strand). VCF-style: chr9-35056521-G-A. GRCh37 (hg19) VCF-style: chr9-35056518-G-A.
Other names: c.*596C>T (NM_001354927.2, NM_001354928.2).
Identifiers: ClinVar variation 366707 (VCV000366707.5), dbSNP rs55745923, ClinGen allele CA10627273.
Genomic context (GRCh38, chr9:35,056,521, plus strand): 5'-CTTACTTCCAGGATTTCACATTTGGAAGAATGCCTTGGGAGTGGTGGGTAGCCCAAGGCT[G>A]TTCCCAGGAAAAGAAGCAGGCACAGGGCCCAGGACTCAGGCTCCATTTTGACCCAACGTT-3'